The following is an entry in ClinVar:

NM_022041.4(GAN):c.868G>T (p.Ala290Ser)

Gene: GAN (gigaxonin; plus strand). Cytogenetic location: 16q23.2.
Variant type: single nucleotide variant.
Coding change: c.868G>T on transcript NM_022041.4 (MANE Select); coding-DNA position 868, G replaced by T.
Protein change: p.Ala290Ser; replaces alanine 290 with serine.
Molecular consequence: missense variant.
Genome position (GRCh38, 1-based): chr16:81,357,826, G>T. VCF-style: chr16-81357826-G-T. GRCh37 (hg19) VCF-style: chr16-81391431-G-T.
Other names: c.229G>T, p.Ala77Ser (NM_001377486.1); short protein forms A290S, A77S.
Identifiers: ClinVar variation 1004026 (VCV001004026.8), dbSNP rs943541215, ClinGen allele CA284305621.
Genomic context (GRCh38, chr16:81,357,826, plus strand): 5'-TGTATGAAGCACATTAACTACTGATCACTTATTTACTTCCTTAGTTCACGGAAACCCACA[G>T]CAGCGATGCGATGCATGTGCCCTCTCTATGACCCTAACAGGCAGCTTTGGATCGAACTGG-3'
Protein context (NP_071324.1, residues 280-300): GEERVSRKPT[Ala290Ser]AMRCMCPLYD

ClinVar aggregate classification (germline): Uncertain significance (1 of 4 stars; one submission).

Conditions:
Giant axonal neuropathy 1 (GAN1). Also called: GIANT AXONAL NEUROPATHY 1, AUTOSOMAL RECESSIVE; GAN-Related Neurodegeneration. Identifiers: Orphanet 643, MedGen C1850386, MONDO:0009749, OMIM 256850.

Allele frequency attached by ClinVar (database versions not stated): gnomAD exomes below 0.00001; gnomAD 0.00001.

Submission:

Labcorp Genetics (formerly Invitae), Labcorp
Classification: Uncertain significance for Giant axonal neuropathy 1. Last evaluated: 2020-03-22. Review status: criteria provided, single submitter. Criteria: Invitae Variant Classification Sherloc (09022015). Collection method: clinical testing. Allele origin: germline.
Comment: This sequence change replaces alanine with serine at codon 290 of the GAN protein (p.Ala290Ser). The alanine residue is highly conserved and there is a moderate physicochemical difference between alanine and serine. This variant is not present in population databases (ExAC no frequency). This variant has not been reported in the literature in individuals with GAN-related conditions. Algorithms developed to predict the effect of missense changes on protein structure and function (SIFT, PolyPhen-2, Align-GVGD) all suggest that this variant is likely to be tolerated, but these predictions have not been confirmed by published functional studies and their clinical significance is uncertain. In summary, the available evidence is currently insufficient to determine the role of this variant in disease. Therefore, it has been classified as a Variant of Uncertain Significance.